The following is an entry in ClinVar:

ClinVar aggregate classification (germline): Uncertain significance (1 of 4 stars; one submission).

Conditions:
Bethlem myopathy 1A. Also called: MYOPATHY, BENIGN CONGENITAL, WITH CONTRACTURES; Bethlem myopathy 1; Bethlem Muscular Dystrophy. Identifiers: Orphanet 610, MedGen CN029274, MONDO:0024530, OMIM 158810.

Allele frequency attached by ClinVar (database versions not stated): TOPMed below 0.00001.

Submission:

Labcorp Genetics (formerly Invitae), Labcorp
Classification: Uncertain significance for Bethlem myopathy 1A. Last evaluated: 2023-05-09. Review status: criteria provided, single submitter. Criteria: Invitae Variant Classification Sherloc (09022015). Collection method: clinical testing. Allele origin: germline.
Comment: This variant has not been reported in the literature in individuals affected with COL6A3-related conditions. This variant is not present in population databases (gnomAD no frequency). In summary, the available evidence is currently insufficient to determine the role of this variant in disease. Therefore, it has been classified as a Variant of Uncertain Significance. Advanced modeling of protein sequence and biophysical properties (such as structural, functional, and spatial information, amino acid conservation, physicochemical variation, residue mobility, and thermodynamic stability) performed at Invitae indicates that this missense variant is not expected to disrupt COL6A3 protein function. This sequence change replaces serine, which is neutral and polar, with arginine, which is basic and polar, at codon 895 of the COL6A3 protein (p.Ser895Arg).

NM_004369.4(COL6A3):c.2685T>G (p.Ser895Arg)

Gene: COL6A3 (collagen type VI alpha 3 chain; minus strand). Cytogenetic location: 2q37.3.
Variant type: single nucleotide variant.
Coding change: c.2685T>G on transcript NM_004369.4 (MANE Select); coding-DNA position 2685, T replaced by G.
Protein change: p.Ser895Arg; replaces serine 895 with arginine.
Molecular consequence: missense variant.
Genome position (GRCh38, 1-based): chr2:237,377,157, A>C on the plus strand (T>G on the coding strand, the complement: COL6A3 is on the minus strand). VCF-style: chr2-237377157-A-C. GRCh37 (hg19) VCF-style: chr2-238285800-A-C.
Other names: c.1464T>G, p.Ser488Arg (NM_057164.5); c.2067T>G, p.Ser689Arg (NM_057165.5, NM_057167.4); c.864T>G, p.Ser288Arg (NM_057166.5); short protein forms S488R, S689R, S288R, S895R.
Identifiers: ClinVar variation 2698642 (VCV002698642.3), dbSNP rs2077869109, ClinGen allele CA351210975.